The following is an entry in ClinVar:

NM_001379659.1(ZNF142):c.5058C>A (p.Pro1686=)

Gene: ZNF142 (zinc finger protein 142; minus strand). Cytogenetic location: 2q35.
Variant type: single nucleotide variant.
Coding change: c.5058C>A on transcript NM_001379659.1 (MANE Select); coding-DNA position 5058, C replaced by A.
Protein change: p.Pro1686=; no amino-acid change (proline 1686 retained).
Molecular consequence: synonymous variant.
Genome position (GRCh38, 1-based): chr2:218,642,058, G>T on the plus strand (C>A on the coding strand, the complement: ZNF142 is on the minus strand). VCF-style: chr2-218642058-G-T. GRCh37 (hg19) VCF-style: chr2-219506781-G-T.
Other names: c.4458C>A, p.Pro1486= (NM_001105537.5, NM_001366291.3, NM_001379662.1); c.3969C>A, p.Pro1323= (NM_001366287.3, NM_001366288.3, NM_001366289.3); c.5058C>A, p.Pro1686= (NM_001366290.3, NM_001379660.1, NM_001379661.1).
Identifiers: ClinVar variation 4821462 (VCV004821462.4).
Genomic context (GRCh38, chr2:218,642,058, plus strand): 5'-CACTTCCTGCCCCATATCCTCTGACATTACCTTGAGACGAGAGGGATCAGCACAGGCATA[G>T]GGGCAGAGGTGACAGTGGTAAGGCTTTTCCCCAGTGTGGATGCGGCTGTGCCAGGTGATC-3'
Protein context (NP_001366588.1, residues 1676-1696): GEKPYHCHLC[Pro1686=]YACADPSRLK

ClinVar aggregate classification (germline): Likely benign (1 of 4 stars; one submission).

gnomAD v4.1: 347 of 1,614,090 alleles (0.021%); highest among the groups gnomAD compares: Non-Finnish European, 0.028%; no homozygotes.

Submission:

CeGaT Center for Human Genetics Tuebingen
Classification: Likely benign. Last evaluated: 2026-02-01. Review status: criteria provided, single submitter. Criteria: CeGaT Center For Human Genetics Tuebingen Variant Classification Criteria Version 2. Collection method: clinical testing. Allele origin: germline. Affected: yes. Observed: 1 variant allele.
Comment: ZNF142: BP4, BP7